The following is an entry in ClinVar:

NM_018489.3(ASH1L):c.1919A>G (p.His640Arg)

Gene: ASH1L (ASH1 like histone lysine methyltransferase; minus strand). Cytogenetic location: 1q22.
Variant type: single nucleotide variant.
Coding change: c.1919A>G on transcript NM_018489.3 (MANE Select); coding-DNA position 1919, A replaced by G.
Protein change: p.His640Arg; replaces histidine 640 with arginine.
Molecular consequence: missense variant.
Genome position (GRCh38, 1-based): chr1:155,480,951, T>C on the plus strand (A>G on the coding strand, the complement: ASH1L is on the minus strand). VCF-style: chr1-155480951-T-C. GRCh37 (hg19) VCF-style: chr1-155450742-T-C.
Other names: c.1919A>G, p.His640Arg (NM_001366177.2); short protein forms H640R.
Identifiers: ClinVar variation 4874956 (VCV004874956.2).
Genomic context (GRCh38, chr1:155,480,951, plus strand): 5'-GATTCAGAAGTCAAACTTGGCTTTTTTCCAAGGGAAGAGCTTATTCTTGGAATATCTATA[T>C]GGGTAGTTTTTGAATCATTTACCTCTTTATCAATCCCTTTACATTCAATACTTATACTAT-3'
Protein context (NP_060959.2, residues 630-650): DKEVNDSKTT[His640Arg]IDIPRISSSL

ClinVar aggregate classification (germline): Uncertain significance (1 of 4 stars; one submission).

gnomAD v4.1: 1 of 1,614,098 alleles (0.000062%); highest among the groups gnomAD compares: African/African-American, 0.0013%; no homozygotes.

Submission:

CeGaT Center for Human Genetics Tuebingen
Classification: Uncertain significance. Last evaluated: 2026-05-01. Review status: criteria provided, single submitter. Criteria: CeGaT Center For Human Genetics Tuebingen Variant Classification Criteria Version 2. Collection method: clinical testing. Allele origin: germline. Affected: yes. Observed: 1 variant allele.
Comment: ASH1L: PM2, BP4